The following is an entry in ClinVar:

NM_002890.3(RASA1):c.1321G>A (p.Val441Ile)

Genes: CCNH (cyclin H; minus strand), RASA1 (RAS p21 protein activator 1; plus strand). Cytogenetic location: 5q14.3.
Variant type: single nucleotide variant.
Coding change: c.1321G>A on transcript NM_002890.3 (MANE Select); coding-DNA position 1321, G replaced by A.
Protein change: p.Val441Ile; replaces valine 441 with isoleucine.
Molecular consequence: missense variant. On other transcripts: intron variant (1).
Genome position (GRCh38, 1-based): chr5:87,353,224, G>A. VCF-style: chr5-87353224-G-A. GRCh37 (hg19) VCF-style: chr5-86649041-G-A.
Other names: c.790G>A, p.Val264Ile (NM_022650.3); c.934-40429C>T (NM_001364075.2); short protein forms V264I, V441I.
Identifiers: ClinVar variation 2110984 (VCV002110984.4), dbSNP rs777777965, ClinGen allele CA360365245.

ClinVar aggregate classification (germline): Uncertain significance (1 of 4 stars; one submission).

Conditions:
Capillary malformation-arteriovenous malformation syndrome. Also called: Capillary malformation-arteriovenous malformation. Identifiers: Orphanet 137667, MedGen C1842180, MONDO:0012016.

Submission:

Labcorp Genetics (formerly Invitae), Labcorp
Classification: Uncertain significance for Capillary malformation-arteriovenous malformation syndrome. Last evaluated: 2022-03-13. Review status: criteria provided, single submitter. Criteria: Invitae Variant Classification Sherloc (09022015). Collection method: clinical testing. Allele origin: germline.
Comment: This variant has not been reported in the literature in individuals affected with RASA1-related conditions. In summary, the available evidence is currently insufficient to determine the role of this variant in disease. Therefore, it has been classified as a Variant of Uncertain Significance. Algorithms developed to predict the effect of missense changes on protein structure and function (SIFT, PolyPhen-2, Align-GVGD) all suggest that this variant is likely to be tolerated. This variant is not present in population databases (gnomAD no frequency). This sequence change replaces valine, which is neutral and non-polar, with isoleucine, which is neutral and non-polar, at codon 441 of the RASA1 protein (p.Val441Ile).